The following is an entry in ClinVar:

ClinVar aggregate classification (germline): Uncertain significance (1 of 4 stars; one submission).

Conditions:
Cardiovascular phenotype. Identifiers: MedGen CN230736.

Submission:

Ambry Genetics
Classification: Uncertain significance for Cardiovascular phenotype. Last evaluated: 2024-10-22. Review status: criteria provided, single submitter. Criteria: Ambry Variant Classification Scheme 2023. Collection method: clinical testing. Allele origin: germline.
Comment: The p.H3526N variant (also known as c.10576C>A), located in coding exon 38 of the ANK2 gene, results from a C to A substitution at nucleotide position 10576. The histidine at codon 3526 is replaced by asparagine, an amino acid with similar properties. This amino acid position is conserved. In addition, this alteration is predicted to be tolerated by in silico analysis. Based on the available evidence, the clinical significance of this variant remains unclear.

NM_001148.6(ANK2):c.10576C>A (p.His3526Asn)

Gene: ANK2 (ankyrin 2; plus strand). Cytogenetic location: 4q26.
Variant type: single nucleotide variant.
Coding change: c.10576C>A on transcript NM_001148.6 (MANE Select); coding-DNA position 10576, C replaced by A.
Protein change: p.His3526Asn; replaces histidine 3526 with asparagine.
Molecular consequence: missense variant. On other transcripts: intron variant (68).
Genome position (GRCh38, 1-based): chr4:113,359,194, C>A. VCF-style: chr4-113359194-C-A. GRCh37 (hg19) VCF-style: chr4-114280350-C-A.
Other names: c.10342C>A, p.His3448Asn (NM_001386142.1); c.6976C>A, p.His2326Asn (NM_001386166.1); c.10717C>A, p.His3573Asn (NM_001386174.1); c.10693C>A, p.His3565Asn (NM_001386175.1); c.4412-1629C>A (NM_001386186.2, NM_001386148.2); c.4214-1629C>A (NM_001354269.3); c.4292-1629C>A (NM_001386187.2); c.4253-1629C>A (NM_001386147.1); and 35 more; short protein forms H3448N, H3526N, H2326N, H3565N, H3573N.
Identifiers: ClinVar variation 3540094 (VCV003540094.1).